The following is an entry in ClinVar:

ClinVar aggregate classification (germline): Uncertain significance (1 of 4 stars; one submission).

Allele frequency attached by ClinVar (database versions not stated): gnomAD exomes 0.00003; gnomAD 0.00004 and 0.00005; TOPMed 0.00006.
gnomAD v4.1: 87 of 1,567,992 alleles (0.0055%); highest among the groups gnomAD compares: Non-Finnish European, 0.0069%; no homozygotes.

Submission:

Labcorp Genetics (formerly Invitae), Labcorp
Classification: Uncertain significance. Last evaluated: 2021-01-14. Review status: criteria provided, single submitter. Criteria: Invitae Variant Classification Sherloc (09022015). Collection method: clinical testing. Allele origin: germline.
Comment: This sequence change replaces proline with serine at codon 890 of the COL18A1 protein (p.Pro890Ser). The proline residue is moderately conserved and there is a moderate physicochemical difference between proline and serine. The frequency data for this variant in the population databases is considered unreliable, as metrics indicate poor data quality at this position in the ExAC database. This variant has not been reported in the literature in individuals with COL18A1-related conditions. Experimental studies and prediction algorithms are not available or were not evaluated, and the functional significance of this variant is currently unknown. In summary, the available evidence is currently insufficient to determine the role of this variant in disease. Therefore, it has been classified as a Variant of Uncertain Significance.

NM_001379500.1(COL18A1):c.2668C>T (p.Pro890Ser)

Gene: COL18A1 (collagen type XVIII alpha 1 chain; plus strand). Cytogenetic location: 21q22.3.
Variant type: single nucleotide variant.
Coding change: c.2668C>T on transcript NM_001379500.1 (MANE Select); coding-DNA position 2668, C replaced by T.
Protein change: p.Pro890Ser; replaces proline 890 with serine.
Molecular consequence: missense variant.
Genome position (GRCh38, 1-based): chr21:45,497,646, C>T. VCF-style: chr21-45497646-C-T. GRCh37 (hg19) VCF-style: chr21-46917560-C-T.
Other names: c.3208C>T, p.Pro1070Ser (NM_030582.4); c.3913C>T, p.Pro1305Ser (NM_130444.3); short protein forms P1305S, P890S, P1070S.
Identifiers: ClinVar variation 1464482 (VCV001464482.3), dbSNP rs764836878, ClinGen allele CA10067261.
Genomic context (GRCh38, chr21:45,497,646, plus strand): 5'-TCTCTTCCTCCAGGGAATCAGGGCCCTCCAGGACCCAAGGGCGCCAAAGGAGAAGTGGGC[C>T]CCCCCGGACCACCAGGTGAGCAACTCTGGACATCCCAGGCAGGAGAGCCATGGCGTGGCC-3'
Protein context (NP_001366429.1, residues 880-900): GPKGAKGEVG[Pro890Ser]PGPPGQFPFD